The following is an entry in ClinVar:

NM_001370165.1(SYTL4):c.1903T>G (p.Ser635Ala)

Gene: SYTL4 (synaptotagmin like 4; minus strand). Cytogenetic location: Xq22.1.
Variant type: single nucleotide variant.
Coding change: c.1903T>G on transcript NM_001370165.1 (MANE Select); coding-DNA position 1903, T replaced by G.
Protein change: p.Ser635Ala; replaces serine 635 with alanine.
Molecular consequence: missense variant. On other transcripts: 3 prime UTR variant (1).
Genome position (GRCh38, 1-based): chrX:100,676,141, A>C on the plus strand (T>G on the coding strand, the complement: SYTL4 is on the minus strand). VCF-style: chrX-100676141-A-C. GRCh37 (hg19) VCF-style: chrX-99931138-A-C.
Other names: c.1903T>G, p.Ser635Ala (NM_001129896.3, NM_001174068.2, NM_001370160.1 and 8 more transcripts); c.*26T>G (NM_001370162.1); short protein forms S635A.
Identifiers: ClinVar variation 4828044 (VCV004828044.1).

ClinVar aggregate classification (germline): Uncertain significance (1 of 4 stars; one submission).

Submission:

Ambry Genetics
Classification: Uncertain significance. Last evaluated: 2025-12-22. Review status: criteria provided, single submitter. Criteria: Ambry Variant Classification Scheme 2023. Collection method: clinical testing. Allele origin: germline.
Comment: The c.1903T>G (p.S635A) alteration is located in exon 19 (coding exon 16) of the SYTL4 gene. This alteration results from a T to G substitution at nucleotide position 1903, causing the serine (S) at amino acid position 635 to be replaced by an alanine (A). Based on data from gnomAD, the G allele has an overall frequency of <0.001% (1/183271) total alleles studied. The highest observed frequency was 0.007% (1/13860) of East Asian alleles. Based on insufficient or conflicting evidence, the clinical significance of this alteration remains unclear.